The following is an entry in ClinVar:

NM_019074.4(DLL4):c.482C>G (p.Thr161Ser)

Gene: DLL4 (delta like canonical Notch ligand 4; plus strand). Cytogenetic location: 15q15.1.
Variant type: single nucleotide variant.
Coding change: c.482C>G on transcript NM_019074.4 (MANE Select); coding-DNA position 482, C replaced by G.
Protein change: p.Thr161Ser; replaces threonine 161 with serine.
Molecular consequence: missense variant.
Genome position (GRCh38, 1-based): chr15:40,931,590, C>G. VCF-style: chr15-40931590-C-G. GRCh37 (hg19) VCF-style: chr15-41223788-C-G.
Other names: short protein forms T161S.
Identifiers: ClinVar variation 1384820 (VCV001384820.6), dbSNP rs2140369198, ClinGen allele CA391806845.
Genomic context (GRCh38, chr15:40,931,590, plus strand): 5'-GCAAGATCGCCATCCAGGGCTCCCTAGCTGTGGGTCAGAACTGGTTATTGGATGAGCAAA[C>G]CAGCACCCTCACAAGGCTGCGCTACTCTTACCGGGTCATCTGCAGTGACAACTACTATGG-3'
Protein context (NP_061947.1, residues 151-171): VGQNWLLDEQ[Thr161Ser]STLTRLRYSY

ClinVar aggregate classification (germline): Uncertain significance (1 of 4 stars; one submission).

Submission:

Labcorp Genetics (formerly Invitae), Labcorp
Classification: Uncertain significance. Last evaluated: 2021-12-02. Review status: criteria provided, single submitter. Criteria: Invitae Variant Classification Sherloc (09022015). Collection method: clinical testing. Allele origin: germline.
Comment: This sequence change replaces threonine, which is neutral and polar, with serine, which is neutral and polar, at codon 161 of the DLL4 protein (p.Thr161Ser). This variant is not present in population databases (gnomAD no frequency). This variant has not been reported in the literature in individuals affected with DLL4-related conditions. Algorithms developed to predict the effect of missense changes on protein structure and function output the following: SIFT: "Tolerated"; PolyPhen-2: "Benign"; Align-GVGD: "Class C0". The serine amino acid residue is found in multiple mammalian species, which suggests that this missense change does not adversely affect protein function. In summary, the available evidence is currently insufficient to determine the role of this variant in disease. Therefore, it has been classified as a Variant of Uncertain Significance.